The following is an entry in ClinVar:

ClinVar aggregate classification (germline): Likely benign (0 of 4 stars; one submission).

Conditions:
MBD6-related disorder. Also called: MBD6-related condition.

Allele frequency attached by ClinVar (database versions not stated): ESP Exome Variant Server 0.00055; gnomAD 0.00093; gnomAD exomes 0.00101; TOPMed 0.00108; ExAC 0.00117.
gnomAD v4.1: 1,647 of 1,603,090 alleles (0.1%); highest among the groups gnomAD compares: Middle Eastern, 0.52%; 2 homozygotes.

Submission:

PreventionGenetics, part of Exact Sciences
Classification: Likely benign for MBD6-related condition. Last evaluated: 2019-09-09. Review status: no assertion criteria provided. Collection method: clinical testing. Allele origin: germline.
Comment: This variant is classified as likely benign based on ACMG/AMP sequence variant interpretation guidelines (Richards et al. 2015 PMID: 25741868, with internal and published modifications).

NM_052897.4(MBD6):c.2526C>T (p.Asp842=)

Gene: MBD6 (methyl-CpG binding domain protein 6; plus strand). Cytogenetic location: 12q13.3.
Variant type: single nucleotide variant.
Coding change: c.2526C>T on transcript NM_052897.4 (MANE Select); coding-DNA position 2526, C replaced by T.
Protein change: p.Asp842=; no amino-acid change (aspartic acid 842 retained).
Molecular consequence: synonymous variant.
Genome position (GRCh38, 1-based): chr12:57,528,266, C>T. VCF-style: chr12-57528266-C-T. GRCh37 (hg19) VCF-style: chr12-57922049-C-T.
Identifiers: ClinVar variation 3041637 (VCV003041637.2), dbSNP rs200714313, ClinGen allele CA6651798.
Genomic context (GRCh38, chr12:57,528,266, plus strand): 5'-CGAACCAGAGCCTGCCAGGCCTCCCCTCAGTGCCTTAGCCCCACCCCATGGTTCTCCCGA[C>T]CCCCCAGTCCCTGAGCTGCTCACTGGGAGGGGGTCAGGGAAACGGGGCCGGAGGGGAGGA-3'
Protein context (NP_443129.3, residues 832-852): SALAPPHGSP[Asp842=]PPVPELLTGR